The following is an entry in ClinVar:

NM_197968.4(ZMYM2):c.369G>A (p.Glu123=)

Gene: ZMYM2 (zinc finger MYM-type containing 2; plus strand). Cytogenetic location: 13q12.11.
Variant type: single nucleotide variant.
Coding change: c.369G>A on transcript NM_197968.4 (MANE Select); coding-DNA position 369, G replaced by A.
Protein change: p.Glu123=; no amino-acid change (glutamic acid 123 retained).
Molecular consequence: synonymous variant. On other transcripts: non-coding transcript variant (1).
Genome position (GRCh38, 1-based): chr13:19,993,441, G>A. VCF-style: chr13-19993441-G-A. GRCh37 (hg19) VCF-style: chr13-20567581-G-A.
Other names: c.369G>A, p.Glu123= (NM_001190964.4, NM_001190965.4, NM_001353157.2 and 6 more transcripts); c.435G>A, p.Glu145= (NM_001353161.3).
Identifiers: ClinVar variation 3039966 (VCV003039966.2), dbSNP rs372753077, ClinGen allele CA6903190.
Genomic context (GRCh38, chr13:19,993,441, plus strand): 5'-AAAAGAGTTGGCATCTCAGAAGGGAAGTGTAAGTGAGACAATTGTCATTGATGATGAAGA[G>A]GACATGGAAACAAATCAAGGGCAAGAGAAAAATTCCTCCAATTTTATTGAACGAAGACCT-3'
Protein context (NP_932072.1, residues 113-133): VSETIVIDDE[Glu123=]DMETNQGQEK

ClinVar aggregate classification (germline): Likely benign (0 of 4 stars; one submission).

Conditions:
ZMYM2-related disorder. Also called: ZMYM2-related condition.

Allele frequency attached by ClinVar (database versions not stated): gnomAD exomes 0.00001; ExAC 0.00002; ESP Exome Variant Server 0.00008; gnomAD 0.00011; 1000 Genomes Project 30x 0.00016; 1000 Genomes Project 0.00020; TOPMed 0.00029.
gnomAD v4.1: 28 of 1,613,872 alleles (0.0017%); highest among the groups gnomAD compares: Admixed American, 0.037%; 1 homozygote.

Submission:

PreventionGenetics, part of Exact Sciences
Classification: Likely benign for ZMYM2-related condition. Last evaluated: 2019-09-13. Review status: no assertion criteria provided. Collection method: clinical testing. Allele origin: germline.
Comment: This variant is classified as likely benign based on ACMG/AMP sequence variant interpretation guidelines (Richards et al. 2015 PMID: 25741868, with internal and published modifications).